The following is an entry in ClinVar:

ClinVar aggregate classification (germline): Uncertain significance. Review status: criteria provided, multiple submitters, no conflicts (2 of 4 stars). 2 submissions from 2 submitters: Uncertain significance (2). Last evaluated 2025-08-20.

Conditions:
Leber congenital amaurosis 9 (LCA9). Also called: LCA 9; Amaurosis congenita of Leber, type 9; LCA9 Leber Congenital Amaurosis. Identifiers: Orphanet 65, MedGen C1837873, MONDO:0012056, OMIM 608553.
Inborn genetic diseases. Identifiers: MedGen C0950123, MeSH D030342.

Allele frequency attached by ClinVar (database versions not stated): gnomAD exomes below 0.00001 and 0.00001; gnomAD 0.00001; TOPMed 0.00002.
gnomAD v4.1: 5 of 1,614,036 alleles (0.00031%); highest among the groups gnomAD compares: African/African-American, 0.0053%; no homozygotes.

Submissions (2):

Ambry Genetics
Classification: Uncertain significance for Inborn genetic diseases. Last evaluated: 2025-08-20. Review status: criteria provided, single submitter. Criteria: Ambry Variant Classification Scheme 2023. Collection method: clinical testing. Allele origin: germline.

Labcorp Genetics (formerly Invitae), Labcorp
Classification: Uncertain significance for Leber congenital amaurosis 9. Last evaluated: 2022-07-06. Review status: criteria provided, single submitter. Criteria: Invitae Variant Classification Sherloc (09022015). Collection method: clinical testing. Allele origin: germline.
Comment: This sequence change replaces isoleucine, which is neutral and non-polar, with valine, which is neutral and non-polar, at codon 174 of the NMNAT1 protein (p.Ile174Val). This variant is not present in population databases (gnomAD no frequency). This variant has not been reported in the literature in individuals affected with NMNAT1-related conditions. ClinVar contains an entry for this variant (Variation ID: 1432880). Algorithms developed to predict the effect of missense changes on protein structure and function output the following: SIFT: "Tolerated"; PolyPhen-2: "Benign"; Align-GVGD: "Class C0". The valine amino acid residue is found in multiple mammalian species, which suggests that this missense change does not adversely affect protein function. In summary, the available evidence is currently insufficient to determine the role of this variant in disease. Therefore, it has been classified as a Variant of Uncertain Significance.

NM_022787.4(NMNAT1):c.520A>G (p.Ile174Val)

Gene: NMNAT1 (nicotinamide nucleotide adenylyltransferase 1; plus strand). Cytogenetic location: 1p36.22.
Variant type: single nucleotide variant.
Coding change: c.520A>G on transcript NM_022787.4 (MANE Select); coding-DNA position 520, A replaced by G.
Protein change: p.Ile174Val; replaces isoleucine 174 with valine.
Molecular consequence: missense variant.
Genome position (GRCh38, 1-based): chr1:9,982,381, A>G. VCF-style: chr1-9982381-A-G. GRCh37 (hg19) VCF-style: chr1-10042439-A-G.
Other names: c.520A>G, p.Ile174Val (NM_001297778.1); c.520A>G (NM_022787.3); short protein forms I174V.
Identifiers: ClinVar variation 1432880 (VCV001432880.4), dbSNP rs962546443, ClinGen allele CA18240094.
Genomic context (GRCh38, chr1:9,982,381, plus strand): 5'-CTGTGTGGGGCAGATTTATTGGAGTCCTTTGCTGTTCCCAATTTGTGGAAGAGTGAAGAC[A>G]TCACCCAAATCGTGGCCAACTATGGGCTCATATGTGTTACTCGGGCTGGAAATGATGCTC-3'
Protein context (NP_073624.2, residues 164-184): AVPNLWKSED[Ile174Val]TQIVANYGLI